The following is an entry in ClinVar:

ClinVar aggregate classification (germline): Pathogenic (1 of 4 stars; one submission).

Conditions:
Microcephaly-intellectual disability-sensorineural hearing loss-epilepsy-abnormal muscle tone syndrome (NEDHSB). Also called: NEURODEVELOPMENTAL DISORDER WITH HEARING LOSS, SEIZURES, AND BRAIN ABNORMALITIES. Identifiers: Orphanet 457351, MedGen C4225276, MONDO:0014698, OMIM 616577.

Submission:

Labcorp Genetics (formerly Invitae), Labcorp
Classification: Pathogenic for Microcephaly-intellectual disability-sensorineural hearing loss-epilepsy-abnormal muscle tone syndrome. Last evaluated: 2021-09-24. Review status: criteria provided, single submitter. Criteria: Invitae Variant Classification Sherloc (09022015). Collection method: clinical testing. Allele origin: germline.
Comment: This variant is a gross deletion of the genomic region encompassing exon(s) 8 of the SPATA5 gene. This deletion is out-of-frame, and is expected to create a premature translational stop signal and result in an absent or disrupted protein product. Loss-of-function variants in SPATA5 are known to be pathogenic (PMID: 26299366). This variant has not been reported in the literature in individuals affected with SPATA5-related conditions. For these reasons, this variant has been classified as Pathogenic.

Literature cited by the submitters: PubMed 26299366.

NC_000004.11:g.(?_123859261)_(123859424_?)del

Gene: AFG2A (AFG2 AAA ATPase homolog A; plus strand). Cytogenetic location: 4q28.1.
Variant type: Deletion.
Identifiers: ClinVar variation 1398827 (VCV001398827.5).